The following is an entry in ClinVar:

ClinVar aggregate classification (germline): Uncertain significance. Review status: criteria provided, multiple submitters, no conflicts (2 of 4 stars). 2 submissions from 2 submitters: Uncertain significance (2). Last evaluated 2026-05-21.

Conditions:
Hereditary cancer-predisposing syndrome. Also called: Neoplastic Syndromes, Hereditary; Tumor predisposition; Hereditary Cancer Syndrome; Hereditary neoplastic syndrome. Identifiers: Orphanet 140162, MedGen C0027672, MeSH D009386, MONDO:0015356.
Tuberous sclerosis 2 (TSC2). Identifiers: Orphanet 805, MedGen C1860707, MONDO:0013199, OMIM 613254.

Submissions (2):

Ambry Genetics
Classification: Uncertain significance for Hereditary cancer-predisposing syndrome. Last evaluated: 2026-05-21. Review status: criteria provided, single submitter. Criteria: Ambry Variant Classification Scheme 2023. Collection method: clinical testing. Allele origin: germline.
Comment: The c.5084_5086delTGG variant (also known as p.V1695del) is located in coding exon 39 of the TSC2 gene. This variant results from an in-frame TGG deletion at nucleotide positions 5084 to 5086. This results in the in-frame deletion of a valine at codon 1695. This amino acid position is well conserved in available vertebrate species. In addition, this variant is predicted to be deleterious by in silico analysis (Choi Y et al. PLoS ONE. 2012; 7(10):e46688). Based on the available evidence, the clinical significance of this variant remains unclear.

Labcorp Genetics (formerly Invitae), Labcorp
Classification: Uncertain significance for Tuberous sclerosis 2. Last evaluated: 2023-02-05. Review status: criteria provided, single submitter. Criteria: Invitae Variant Classification Sherloc (09022015). Collection method: clinical testing. Allele origin: germline.
Comment: This variant, c.5084_5086del, results in the deletion of 1 amino acid(s) of the TSC2 protein (p.Val1695del), but otherwise preserves the integrity of the reading frame. This variant is present in population databases (rs768580200, gnomAD 0.0009%). This variant has not been reported in the literature in individuals affected with TSC2-related conditions. Experimental studies and prediction algorithms are not available or were not evaluated, and the functional significance of this variant is currently unknown. In summary, the available evidence is currently insufficient to determine the role of this variant in disease. Therefore, it has been classified as a Variant of Uncertain Significance.

NM_000548.5(TSC2):c.5084_5086del (p.Val1695del)

Gene: TSC2 (TSC complex subunit 2; plus strand). Cytogenetic location: 16p13.3.
Variant type: Deletion.
Coding change: c.5084_5086del on transcript NM_000548.5 (MANE Select); coding-DNA positions 5084 to 5086, 3 bases deleted (TGG; older notation c.5084_5086delTGG).
Protein change: p.Val1695del; deletes valine 1695.
Molecular consequence: inframe deletion. On other transcripts: inframe indel (32).
Genome position (GRCh38, 1-based): chr16:2,088,063-2,088,065, TGG deleted; deleting any 3 consecutive bases within chr16:2,088,062-2,088,065 gives the same sequence; the c. name uses the placement nearest the transcript's 3' end. VCF-style (leftmost placement, unchanged base first): chr16-2088061-TGTG-T. GRCh37 (hg19) VCF-style: chr16-2138062-TGTG-T.
Other names: c.4883_4885del, p.Val1628del (NM_001077183.3); c.5015_5017del, p.Val1672del (NM_001114382.3); c.4775_4777del, p.Val1592del (NM_001318827.2); c.4739_4741del, p.Val1580del (NM_001318829.2); c.4352_4354del, p.Val1451del (NM_001318831.2); c.4916_4918del, p.Val1639del (NM_001318832.2); c.4886_4888del, p.Val1629del (NM_001363528.2); c.4952_4954del, p.Val1651del (NM_001370404.1); and 26 more; short protein forms V1204del, V1224del, V1472del, V1591del, V1609del, V1623del, V1625del, V1651del.
Identifiers: ClinVar variation 2029421 (VCV002029421.5), dbSNP rs768580200, ClinGen allele CA053893.